The following is an entry in ClinVar:

GRCh38/hg38 13q12.12(chr13:22992823-24316005)x1

Genes: MIPEP (mitochondrial intermediate peptidase; minus strand), MIR2276 (microRNA 2276; plus strand), PCOTH (prostate and testis expressed opposite C1QTNF9B and MIPEP; plus strand), SACS (sacsin molecular chaperone; minus strand), SACS-AS1 (SACS antisense RNA 1; plus strand) and 51 more. Cytogenetic location: 13q12.12.
Variant type: copy number loss.
Change: copy number 1 (one copy instead of two) of chr13:22,992,823-24,316,005 (1.32 Mb, GRCh38 coordinates, 1-based), cytogenetic band 13q12.12.
Identifiers: ClinVar variation 57520 (VCV000057520.1).

ClinVar aggregate classification (germline): Uncertain significance (1 of 4 stars; one submission).

Submission:

ISCA site 15
Classification: Uncertain significance. Last evaluated: 2011-08-12. Review status: criteria provided, single submitter. Criteria: Kaminsky et al. (Genet Med. 2011). Collection method: clinical testing. Allele origin: maternal. Affected: yes. Observed: 1 variant allele.
Comment: Copy number variation identified through the course of routine clinical cytogenomic testing in postnatal populations. Clinical assertions have been curated as described in Kaminsky et al. 2011.